The following is an entry in ClinVar:

ClinVar aggregate classification (germline): Uncertain significance (0 of 4 stars; one submission).

Conditions:
Hearing impairment. Also called: Impaired Hearing. Identifiers: MedGen C1384666, MONDO:0005365, HP:0000365.

gnomAD v4.1: 142 of 152,282 alleles (0.093%); highest among the groups gnomAD compares: African/African-American, 0.32%; no homozygotes.

Submission:

Joint Genome Diagnostic Labs from Nijmegen and Maastricht, Radboudumc and MUMC+
Classification: Uncertain significance for hearing impairment. Review status: no assertion criteria provided. Collection method: clinical testing. Allele origin: germline. Affected: yes.

NM_022124.6(CDH23):c.430-24418A>T

Gene: CDH23 (cadherin related 23; plus strand). Cytogenetic location: 10q22.1.
Variant type: single nucleotide variant.
Coding change: c.430-24418A>T on transcript NM_022124.6 (MANE Select); 24418 bases into the intron before coding-DNA position 430, A replaced by T.
Molecular consequence: intron variant.
Genome position (GRCh38, 1-based): chr10:71,542,324, A>T. VCF-style: chr10-71542324-A-T. GRCh37 (hg19) VCF-style: chr10-73302081-A-T.
Other names: c.430-24418A>T (NM_001171930.2, NM_001171931.2, NM_052836.4 and 1 more transcripts).
Identifiers: ClinVar variation 3338160 (VCV003338160.1).